The following is an entry in ClinVar:

ClinVar aggregate classification (germline): Pathogenic (1 of 4 stars; one submission).

Conditions:
Inborn genetic diseases. Identifiers: MedGen C0950123, MeSH D030342.

Submission:

Ambry Genetics
Classification: Pathogenic for Inborn genetic diseases. Last evaluated: 2024-09-03. Review status: criteria provided, single submitter. Criteria: Ambry Variant Classification Scheme 2023. Collection method: clinical testing. Allele origin: germline.
Comment: The c.4057_4060delCCTT (p.P1353Ifs*16) alteration, located in exon 18 (coding exon 18) of the MED13 gene, consists of a deletion of 4 nucleotides from position 4057 to 4060, causing a translational frameshift with a predicted alternate stop codon after 16 amino acids. This alteration is expected to result in loss of function by premature protein truncation or nonsense-mediated mRNA decay. This variant was not reported in population-based cohorts in the Genome Aggregation Database (gnomAD). Based on the available evidence, this alteration is classified as pathogenic.

NM_005121.3(MED13):c.4057_4060del (p.Pro1353fs)

Gene: MED13 (mediator complex subunit 13; minus strand). Cytogenetic location: 17q23.2.
Variant type: Deletion.
Coding change: c.4057_4060del on transcript NM_005121.3 (MANE Select); coding-DNA positions 4057 to 4060, 4 bases deleted (CCTT; older notation c.4057_4060delCCTT).
Protein change: p.Pro1353fs; shifts the reading frame from proline 1353.
Molecular consequence: frameshift variant.
Genome position (GRCh38, 1-based): chr17:61,968,166-61,968,169, AAGG deleted on the plus strand (CCTT on the coding strand, the reverse complement: MED13 is on the minus strand); deleting any 4 consecutive bases within chr17:61,968,166-61,968,172 gives the same sequence; the c. name uses the placement nearest the transcript's 3' end. VCF-style (leftmost placement, unchanged base first): chr17-61968165-TAAGG-T. GRCh37 (hg19) VCF-style: chr17-60045526-TAAGG-T.
Other names: short protein forms P1353fs.
Identifiers: ClinVar variation 3394551 (VCV003394551.1).
Genomic context (GRCh38, chr17:61,968,165, plus strand): 5'-AGTACAACATAGGCTATATCTCTTTGAGATCCATAGGGTTCCAGCATAAGTCTCTCCCAA[TAAGG>T]AAGAGCAAATGGAGAAAGCACCAGATAATCATAATCATAACCCAACAAAAATGTGGGGAT-3'